The following is an entry in ClinVar:

ClinVar aggregate classification (germline): Likely benign. Review status: criteria provided, multiple submitters, no conflicts (2 of 4 stars). 3 submissions from 3 submitters: Likely benign (3). Last evaluated 2025-06-12.

Conditions:
Lower motor neuron syndrome with late-adult onset (SMAJ). Also called: Spinal muscular atrophy, Jokela type; Late-Onset Spinal Motor Neuronopathy (SMAJ). Identifiers: Orphanet 276435, MedGen C3554398, MONDO:0014025, OMIM 615048.
Frontotemporal dementia and/or amyotrophic lateral sclerosis 2. Also called: FTDALS2. Identifiers: Orphanet 275872, MedGen C4014648, MONDO:0014395, OMIM 615911.
Autosomal dominant mitochondrial myopathy with exercise intolerance (IMMD). Also called: Myopathy, isolated mitochondrial, autosomal dominant. Identifiers: Orphanet 457050, MedGen C4015513, MONDO:0014532, OMIM 616209.

Allele frequency attached by ClinVar (database versions not stated): gnomAD 0.00001 and 0.00002; TOPMed 0.00002; gnomAD exomes 0.00004; ExAC 0.00007; 1000 Genomes Project 30x 0.00016; 1000 Genomes Project 0.00020.

Submissions (3):

Mayo Clinic Laboratories, Mayo Clinic
Classification: Likely benign. Last evaluated: 2025-06-12. Review status: criteria provided, single submitter. Criteria: ACMG Guidelines, 2015. Collection method: clinical testing. Allele origin: germline. Observed: 1 variant allele.
Comment: BS2, BP4, BP7

Labcorp Genetics (formerly Invitae), Labcorp
Classification: Likely benign for Lower motor neuron syndrome with late-adult onset; Frontotemporal dementia and/or amyotrophic lateral sclerosis 2; Autosomal dominant mitochondrial myopathy with exercise intolerance. Last evaluated: 2024-08-06. Review status: criteria provided, single submitter. Criteria: Invitae Variant Classification Sherloc (09022015). Collection method: clinical testing. Allele origin: germline.

CeGaT Center for Human Genetics Tuebingen
Classification: Likely benign. Last evaluated: 2024-07-01. Review status: criteria provided, single submitter. Criteria: CeGaT Center For Human Genetics Tuebingen Variant Classification Criteria Version 2. Collection method: clinical testing. Allele origin: germline. Affected: yes. Observed: 1 variant allele.
Comment: CHCHD10: BP4, BP7

NM_213720.3(CHCHD10):c.189C>T (p.His63=)

Gene: CHCHD10 (coiled-coil-helix-coiled-coil-helix domain containing 10; minus strand). Cytogenetic location: 22q11.23.
Variant type: single nucleotide variant.
Coding change: c.189C>T on transcript NM_213720.3 (MANE Select); coding-DNA position 189, C replaced by T.
Protein change: p.His63=; no amino-acid change (histidine 63 retained).
Molecular consequence: synonymous variant. On other transcripts: non-coding transcript variant (1).
Genome position (GRCh38, 1-based): chr22:23,767,446, G>A on the plus strand (C>T on the coding strand, the complement: CHCHD10 is on the minus strand). VCF-style: chr22-23767446-G-A. GRCh37 (hg19) VCF-style: chr22-24109633-G-A.
Other names: p.His63=; c.189C>T, p.His63= (NM_001301339.2).
Identifiers: ClinVar variation 1161035 (VCV001161035.27), dbSNP rs202148090, ClinGen allele CA10145299.